The following is an entry in ClinVar:

ClinVar aggregate classification (germline): Uncertain significance (1 of 4 stars; one submission).

gnomAD v4.1: 1 of 1,604,156 alleles (0.000062%); highest among the groups gnomAD compares: Admixed American, 0.0017%; no homozygotes.

Submission:

GeneDx
Classification: Uncertain significance. Last evaluated: 2025-10-14. Review status: criteria provided, single submitter. Criteria: GeneDx Variant Classification Process June 2021. Collection method: clinical testing. Allele origin: germline.
Comment: In silico analysis suggests that this missense variant does not alter protein structure/function; Has not been previously published as pathogenic or benign to our knowledge

NM_031263.4(HNRNPK):c.289A>G (p.Ile97Val)

Genes: HNRNPK (heterogeneous nuclear ribonucleoprotein K; minus strand), HNRNPK-AS1 (HNRNPK antisense RNA 1; plus strand). Cytogenetic location: 9q21.32.
Variant type: single nucleotide variant.
Coding change: c.289A>G on transcript NM_031263.4 (MANE Select); coding-DNA position 289, A replaced by G.
Protein change: p.Ile97Val; replaces isoleucine 97 with valine.
Molecular consequence: missense variant.
Genome position (GRCh38, 1-based): chr9:83,974,558, T>C on the plus strand (A>G on the coding strand, the complement: HNRNPK is on the minus strand). VCF-style: chr9-83974558-T-C. GRCh37 (hg19) VCF-style: chr9-86589473-T-C.
Other names: c.289A>G, p.Ile97Val (NM_001318186.2, NM_001318187.2, NM_001318188.2 and 2 more transcripts); short protein forms I97V.
Identifiers: ClinVar variation 3368418 (VCV003368418.2).
Genomic context (GRCh38, chr9:83,974,558, plus strand): 5'-TAAAAAAAAATGAGCCTACCTCTTCCAAGGTAGGGATGATTTTCTTCAGAATTTCTCCAA[T>C]TGTTTCAATATCAGCACTGATACTCAATATGCTGTCAAACACCACAAATACCAGATAGTA-3'
Protein context (NP_112553.1, residues 87-107): ILSISADIET[Ile97Val]GEILKKIIPT